The following is an entry in ClinVar:

ClinVar aggregate classification (germline): Pathogenic (1 of 4 stars; one submission).

Submission:

Labcorp Genetics (formerly Invitae), Labcorp
Classification: Pathogenic. Last evaluated: 2023-11-29. Review status: criteria provided, single submitter. Criteria: Invitae Variant Classification Sherloc (09022015). Collection method: clinical testing. Allele origin: germline.
Comment: This sequence change creates a premature translational stop signal (p.Ser244Profs*13) in the EMC1 gene. It is expected to result in an absent or disrupted protein product. Loss-of-function variants in EMC1 are known to be pathogenic (PMID: 26572623, 26942288, 29271071). This variant is not present in population databases (gnomAD no frequency). This variant has not been reported in the literature in individuals affected with EMC1-related conditions. For these reasons, this variant has been classified as Pathogenic.

Literature cited by the submitters: PubMed 26572623; PubMed 26942288; PubMed 29271071.

NM_015047.3(EMC1):c.730del (p.Ser244fs)

Genes: EMC1 (ER membrane protein complex subunit 1; minus strand), EMC1-AS1 (EMC1 antisense RNA 1; plus strand). Cytogenetic location: 1p36.13.
Variant type: Deletion.
Coding change: c.730del on transcript NM_015047.3 (MANE Select); coding-DNA position 730, one base deleted (T; older notation c.730delT).
Protein change: p.Ser244fs; shifts the reading frame from serine 244.
Molecular consequence: frameshift variant. On other transcripts: non-coding transcript variant (1).
Genome position (GRCh38, 1-based): chr1:19,240,353, A deleted on the plus strand (T on the coding strand, the reverse complement: EMC1 is on the minus strand); the first of 2 consecutive A bases (chr1:19,240,353-19,240,354); deleting either gives the same sequence. VCF-style (leftmost placement, unchanged base first): chr1-19240352-GA-G. GRCh37 (hg19) VCF-style: chr1-19566846-GA-G.
Other names: c.730del, p.Ser244fs (NM_001271427.2, NM_001271428.2, NM_001375820.1 and 1 more transcripts); c.664del, p.Ser222fs (NM_001271429.2); short protein forms S244fs, S222fs.
Identifiers: ClinVar variation 2880712 (VCV002880712.3), dbSNP rs2093597511, ClinGen allele CA1157054013.
Genomic context (GRCh38, chr1:19,240,352, plus strand): 5'-CTCACCTGCAGTGGGATCTGTCTCAACTCCCATTCCGTCTCCAGAGCCAAAGTTTGGAGG[GA>G]ACGTGAGCTCGGGTCAGGACACACCAGGACAGCCTCATCCACCACACCACAGGCTCCAGA-3'